The following is an entry in ClinVar:

ClinVar aggregate classification (germline): Uncertain significance. Review status: criteria provided, multiple submitters, no conflicts (2 of 4 stars). 3 submissions from 3 submitters: Uncertain significance (3). Last evaluated 2021-11-23.

Conditions:
Hereditary nonpolyposis colorectal neoplasms. Identifiers: MedGen C0009405, MeSH D003123.
Hereditary cancer-predisposing syndrome. Also called: Hereditary Cancer Syndrome; Neoplastic Syndromes, Hereditary; Tumor predisposition; Hereditary neoplastic syndrome. Identifiers: Orphanet 140162, MedGen C0027672, MeSH D009386, MONDO:0015356.

Allele frequency attached by ClinVar (database versions not stated): gnomAD exomes below 0.00001.
gnomAD v4.1: 2 of 1,614,036 alleles (0.00012%); highest among the groups gnomAD compares: Non-Finnish European, 0.00017%; no homozygotes.

Submissions (3):

Labcorp Genetics (formerly Invitae), Labcorp
Classification: Uncertain significance for Hereditary nonpolyposis colorectal neoplasms. Last evaluated: 2021-11-23. Review status: criteria provided, single submitter. Criteria: Invitae Variant Classification Sherloc (09022015). Collection method: clinical testing. Allele origin: germline.
Comment: In summary, the available evidence is currently insufficient to determine the role of this variant in disease. Therefore, it has been classified as a Variant of Uncertain Significance. Algorithms developed to predict the effect of sequence changes on RNA splicing suggest that this variant may create or strengthen a splice site. Advanced modeling of protein sequence and biophysical properties (such as structural, functional, and spatial information, amino acid conservation, physicochemical variation, residue mobility, and thermodynamic stability) performed at Invitae indicates that this missense variant is not expected to disrupt MSH6 protein function. ClinVar contains an entry for this variant (Variation ID: 479930). This variant has not been reported in the literature in individuals affected with MSH6-related conditions. This variant is not present in population databases (gnomAD no frequency). This sequence change replaces glutamic acid, which is acidic and polar, with glutamine, which is neutral and polar, at codon 1090 of the MSH6 protein (p.Glu1090Gln).

GeneDx
Classification: Uncertain significance. Last evaluated: 2020-02-14. Review status: criteria provided, single submitter. Criteria: GeneDx Variant Classification Process June 2021. Collection method: clinical testing. Allele origin: germline. Affected: yes.
Comment: Not observed in large population cohorts (Lek et al., 2016); In silico analysis supports that this missense variant does not alter protein structure/function; Has not been previously published as pathogenic or benign to our knowledge

Ambry Genetics
Classification: Uncertain significance for Hereditary cancer-predisposing syndrome. Last evaluated: 2016-09-16. Review status: criteria provided, single submitter. Criteria: Ambry Variant Classification Scheme 2023. Collection method: clinical testing. Allele origin: germline.
Comment: The p.E1090Q variant (also known as c.3268G>C), located in coding exon 5 of the MSH6 gene, results from a G to C substitution at nucleotide position 3268. The glutamic acid at codon 1090 is replaced by glutamine, an amino acid with highly similar properties. This variant was not reported in population based cohorts in the following databases: Database of Single Nucleotide Polymorphisms (dbSNP), NHLBI Exome Sequencing Project (ESP), and 1000 Genomes Project. In the ESP, this variant was not observed in 6503 samples (13006 alleles) with coverage at this position. To date, this alteration has been detected with an allele frequency of approximately 0.001% (greater than 150000 alleles tested) in our clinical cohort. This amino acid position is poorly conserved in available vertebrate species. In addition, the in silico prediction for this alteration is inconclusive. In addition, the CoDP in silico tool predicts this alteration to have a minor impact on molecular function, with a score of 0.014 (Terui H et al. J. Biomed. Sci. 2013;20:25). Since supporting evidence is limited at this time, the clinical significance of this alteration remains unclear.

NM_000179.3(MSH6):c.3268G>C (p.Glu1090Gln)

Gene: MSH6 (mutS homolog 6; plus strand). Cytogenetic location: 2p16.3.
Variant type: single nucleotide variant.
Coding change: c.3268G>C on transcript NM_000179.3 (MANE Select); coding-DNA position 3268, G replaced by C.
Protein change: p.Glu1090Gln; replaces glutamic acid 1090 with glutamine.
Molecular consequence: missense variant.
Genome position (GRCh38, 1-based): chr2:47,803,515, G>C. VCF-style: chr2-47803515-G-C. GRCh37 (hg19) VCF-style: chr2-48030654-G-C.
Other names: c.2878G>C, p.Glu960Gln (NM_001281492.2); c.2362G>C, p.Glu788Gln (NM_001281493.2, NM_001281494.2); short protein forms E1090Q, E788Q, E960Q.
Identifiers: ClinVar variation 479930 (VCV000479930.12), dbSNP rs143477948, ClinGen allele CA346758204.